The following is an entry in ClinVar:

ClinVar aggregate classification (germline): Likely pathogenic (1 of 4 stars; one submission).

Conditions:
Usher syndrome type 1 (USH1). Also called: RETINITIS PIGMENTOSA AND CONGENITAL DEAFNESS. Identifiers: Orphanet 231169, Orphanet 886, MedGen C1568247, MONDO:0010168, OMIM 276900.

Submission:

Myriad Genetics, Inc.
Classification: Likely pathogenic for Usher syndrome type 1. Last evaluated: 2022-03-02. Review status: criteria provided, single submitter. Criteria: Myriad Women's Health Autosomal Recessive and X-Linked Classification Criteria (2021). Collection method: clinical testing. Allele origin: unknown.
Comment: NM_000260.3(MYO7A):c.2441delG(R814Pfs*37) is expected to be pathogenic in the context of MYO7A-related disorders. This variant is predicted to lead to an abnormal or absent protein product due to the creation of a premature termination codon in MYO7A, a gene where loss-of-function variants are known to be pathogenic. Please note: this variant was assessed in the context of healthy population screening.

NM_000260.4(MYO7A):c.2441del (p.Arg814fs)

Gene: MYO7A (myosin VIIA; plus strand). Cytogenetic location: 11q13.5.
Variant type: Deletion.
Coding change: c.2441del on transcript NM_000260.4 (MANE Select); coding-DNA position 2441, one base deleted (G; older notation c.2441delG).
Protein change: p.Arg814fs; shifts the reading frame from arginine 814.
Molecular consequence: frameshift variant.
Genome position (GRCh38, 1-based): chr11:77,179,808, G deleted. VCF-style (leftmost placement, unchanged base first): chr11-77179807-CG-C. GRCh37 (hg19) VCF-style: chr11-76890853-CG-C.
Other names: c.2441del, p.Arg814fs (NM_001127180.2); c.2408del, p.Arg803fs (NM_001369365.1); short protein forms R803fs, R814fs.
Identifiers: ClinVar variation 1724883 (VCV001724883.2), dbSNP rs2497175190, ClinGen allele CA2580084901.